The following is an entry in ClinVar:

NM_004937.3(CTNS):c.15G>A (p.Trp5Ter)

Gene: CTNS (cystinosin, lysosomal cystine transporter; plus strand). Cytogenetic location: 17p13.2.
Variant type: single nucleotide variant.
Coding change: c.15G>A on transcript NM_004937.3 (MANE Select); coding-DNA position 15, G replaced by A.
Protein change: p.Trp5Ter; replaces tryptophan 5 with a stop codon.
Molecular consequence: nonsense. On other transcripts: 5 prime UTR variant (2), intron variant (2).
Genome position (GRCh38, 1-based): chr17:3,640,221, G>A. VCF-style: chr17-3640221-G-A. GRCh37 (hg19) VCF-style: chr17-3543515-G-A.
Other names: c.15G>A, p.Trp5Ter (NM_001031681.3, NM_001374492.1); c.-342G>A (NM_001374493.1); c.-263G>A (NM_001374495.1); c.-381+2905G>A (NM_001374494.1); c.-296+2905G>A (NM_001374496.1); short protein forms W5*.
Identifiers: ClinVar variation 2681023 (VCV002681023.6), dbSNP rs1390032475, ClinGen allele CA397686229.

ClinVar aggregate classification (germline): Pathogenic. Review status: criteria provided, multiple submitters, no conflicts (2 of 4 stars). 3 submissions from 3 submitters: Pathogenic (3). Last evaluated 2025-05-22.

Conditions:
Nephropathic cystinosis (CTNS). Also called: CYSTINOSIN, DEFECT OF; LYSOSOMAL CYSTINE TRANSPORT PROTEIN, DEFECT OF; Abderhalden Lignac Kaufmann disease; Abderhalden-Kaufmann-Lignac syndrome. Identifiers: Orphanet 213, Orphanet 411629, MedGen C2931187, MONDO:0100151, OMIM 219800.
Juvenile nephropathic cystinosis. Also called: Intermediate Cystinosis; CYSTINOSIS, LATE-ONSET JUVENILE OR ADOLESCENT NEPHROPATHIC TYPE; Later-Onset (Juvenile) Cystinosis. Identifiers: Orphanet 213, Orphanet 411634, MedGen C0268626, MONDO:0009066, OMIM 219900.
Ocular cystinosis. Also called: Non-Nephropathic Cystinosis; Non-Nephropathic (Ocular) Cystinosis. Identifiers: Orphanet 213, Orphanet 411641, MedGen C2931013, MONDO:0009064, OMIM 219750.
Inborn genetic diseases. Identifiers: MedGen C0950123, MeSH D030342.

Allele frequency attached by ClinVar (database versions not stated): TOPMed below 0.00001.

Submissions (3):

First Genomix Gene Laboratory, Genetic Diagnostics Department
Classification: Pathogenic for Nephropathic cystinosis; Juvenile nephropathic cystinosis; Ocular cystinosis. Last evaluated: 2025-05-22. Review status: criteria provided, single submitter. Criteria: ACMG Guidelines, 2015. Collection method: clinical testing. Allele origin: germline. Inheritance: Autosomal recessive inheritance. Affected: no. Observed: 1 variant allele.

Baylor Genetics
Classification: Pathogenic for Nephropathic cystinosis. Last evaluated: 2024-01-11. Review status: criteria provided, single submitter. Criteria: ACMG Guidelines, 2015. Collection method: clinical testing. Allele origin: unknown.

Labcorp Genetics (formerly Invitae), Labcorp
Classification: Pathogenic for Inborn genetic diseases; Ocular cystinosis; Juvenile nephropathic cystinosis. Last evaluated: 2023-09-10. Review status: criteria provided, single submitter. Criteria: Invitae Variant Classification Sherloc (09022015). Collection method: clinical testing. Allele origin: germline.
Comment: For these reasons, this variant has been classified as Pathogenic. Algorithms developed to predict the effect of sequence changes on RNA splicing suggest that this variant may disrupt the consensus splice site. This premature translational stop signal has been observed in individual(s) with cystinosis (PMID: 12442267, 24464559). This variant is not present in population databases (gnomAD no frequency). This sequence change creates a premature translational stop signal (p.Trp5*) in the CTNS gene. It is expected to result in an absent or disrupted protein product. Loss-of-function variants in CTNS are known to be pathogenic (PMID: 9537412, 27102039).

Literature cited by the submitters: PubMed 12442267 (cited by Labcorp Genetics (formerly Invitae), Labcorp); PubMed 24464559 (cited by Labcorp Genetics (formerly Invitae), Labcorp); PubMed 9537412 (cited by Labcorp Genetics (formerly Invitae), Labcorp); PubMed 27102039 (cited by Labcorp Genetics (formerly Invitae), Labcorp).